The following is an entry in ClinVar:

NM_000718.4(CACNA1B):c.479_481dup (p.Ser160_Tyr161insSer)

Genes: CACNA1B (calcium voltage-gated channel subunit alpha1 B; plus strand), CACNA1B-AS2 (CACNA1B antisense RNA 2; minus strand). Cytogenetic location: 9q34.3.
Variant type: Duplication.
Coding change: c.479_481dup on transcript NM_000718.4 (MANE Select); coding-DNA positions 479 to 481, 3 bases duplicated (CTT; older notation c.479_481dupCTT).
Protein change: p.Ser160_Tyr161insSer.
Genome position (GRCh38, 1-based): chr9:137,882,832-137,882,834, CTT duplicated; duplicating any 3 consecutive bases within chr9:137,882,831-137,882,834 gives the same sequence; the c. name uses the placement nearest the transcript's 3' end. VCF-style (leftmost placement, unchanged base first): chr9-137882830-C-CTCT. GRCh37 (hg19) VCF-style: chr9-140777282-C-CTCT.
Other names: p.S160dup; c.479_481dupCTT (NM_000718.3); c.479_481dup, p.Ser160_Tyr161insSer (NM_001243812.2).
Identifiers: ClinVar variation 3359239 (VCV003359239.3).

ClinVar aggregate classification (germline): Uncertain significance. Review status: criteria provided, single submitter (1 of 4 stars). 2 submissions from 2 submitters: Uncertain significance (1). 1 of the submissions does not count toward it. Last evaluated 2026-03-13.

Conditions:
Neurodevelopmental disorder with seizures and nonepileptic hyperkinetic movements. Identifiers: MedGen C5193128, MONDO:0032784, OMIM 618497.

Submissions (2):

Ambry Genetics
Classification: Uncertain significance. Last evaluated: 2026-03-13. Review status: criteria provided, single submitter. Criteria: Ambry Variant Classification Scheme 2023. Collection method: clinical testing. Allele origin: germline.
Comment: The c.479_481dupCTT (p.S160dup) variant is located in exon 3 (coding exon 3) of the CACNA1B gene. The variant consists of an in-frame duplication of 3 nucleotides from position 479 to 481, resulting in the duplication of a serine (S) at codon 160. This variant was not reported in population-based cohorts in the Genome Aggregation Database (gnomAD). This amino acid position is highly conserved in available vertebrate species. This variant is predicted to be deleterious by in silico analysis (Choi, 2012). Based on insufficient or conflicting evidence, the clinical significance of this alteration remains unclear.

Undiagnosed Diseases Network, NIH
Classification: Uncertain significance for Neurodevelopmental disorder with seizures and nonepileptic hyperkinetic movements. Last evaluated: 2023-08-16. Review status: no assertion criteria provided. Collection method: clinical testing. Allele origin: maternal. Affected: yes. Observed: 1 variant allele, 1 compound heterozygote. Study: Undiagnosed Diseases Network (NIH), UDN. Not counted in ClinVar's aggregate classification.